The following is an entry in ClinVar:

ClinVar aggregate classification (germline): Pathogenic. Review status: criteria provided, multiple submitters, no conflicts (2 of 4 stars). 7 submissions from 7 submitters: Pathogenic (7). Last evaluated 2024-01-24.

Conditions:
Neurofibromatosis, type 1 (NF1). Also called: Peripheral type neurofibromatosis; Neurofibromatosis, type I; VON RECKLINGHAUSEN DISEASE; NEUROFIBROMATOSIS, TYPE I, SOMATIC. Identifiers: Orphanet 636, MedGen C0027831, MONDO:0018975, OMIM 162200. Disease mechanism: loss of function.
Juvenile myelomonocytic leukemia (JMML). Also called: LEUKEMIA, JUVENILE MYELOMONOCYTIC, SOMATIC. Identifiers: Orphanet 86834, MedGen C0349639, MONDO:0011908, OMIM 607785, HP:0012209.
Neurofibromatosis, familial spinal (FSNF). Identifiers: Orphanet 636, MedGen C1834235, MONDO:0008078, OMIM 162210. Disease mechanism: loss of function.
Neurofibromatosis-Noonan syndrome (NFNS). Also called: NEUROFIBROMATOSIS WITH NOONAN PHENOTYPE. Identifiers: Orphanet 638, MedGen C2931482, MONDO:0011035, OMIM 601321. Disease mechanism: loss of function.
Café-au-lait macules with pulmonary stenosis (WTSN). Also called: PULMONIC STENOSIS WITH CAFE-AU-LAIT SPOTS. Identifiers: MedGen C0553586, MONDO:0008672, OMIM 193520.

Allele frequency attached by ClinVar (database versions not stated): TOPMed below 0.00001.

Submissions (7):

GeneDx
Classification: Pathogenic. Last evaluated: 2024-01-24. Review status: criteria provided, single submitter. Criteria: GeneDx Variant Classification Process June 2021. Collection method: clinical testing. Allele origin: germline. Affected: yes.
Comment: Canonical splice site variant predicted to result in a null allele in a gene for which loss of function is a known mechanism of disease; Not observed at significant frequency in large population cohorts (gnomAD); This variant is associated with the following publications: (PMID: 33448881, 33877690, 35103140)

Labcorp Genetics (formerly Invitae), Labcorp
Classification: Pathogenic for Neurofibromatosis, type 1. Last evaluated: 2023-12-07. Review status: criteria provided, single submitter. Criteria: Invitae Variant Classification Sherloc (09022015). Collection method: clinical testing. Allele origin: germline.
Comment: This sequence change affects a donor splice site in intron 8 of the NF1 gene. It is expected to disrupt RNA splicing. Variants that disrupt the donor or acceptor splice site typically lead to a loss of protein function (PMID: 16199547), and loss-of-function variants in NF1 are known to be pathogenic (PMID: 10712197, 23913538). This variant is not present in population databases (gnomAD no frequency). Disruption of this splice site has been observed in individuals with neurofibromatosis type I (PMID: 10712197, 28961165). ClinVar contains an entry for this variant (Variation ID: 803340). Algorithms developed to predict the effect of sequence changes on RNA splicing suggest that this variant may disrupt the consensus splice site. For these reasons, this variant has been classified as Pathogenic.

3billion
Classification: Pathogenic for Neurofibromatosis, type 1. Last evaluated: 2022-05-22. Review status: criteria provided, single submitter. Criteria: ACMG Guidelines, 2015. Collection method: clinical testing. Allele origin: germline. Affected: yes. Observed: 1 heterozygote.
Comment: The variant is not observed in the gnomAD v2.1.1 dataset. Canonical splice site: predicted to alter splicing and result in a loss or disruption of normal protein function. Multiple pathogenic loss-of-function variants are reported downstream of the variant. The variant has been reported at least twice as pathogenic with clinical assertions and evidence for the classification (ClinVar ID: VCV000803340). Therefore, this variant is classified as pathogenic according to the recommendation of ACMG/AMP guideline.

Genome-Nilou Lab
Classification: Pathogenic for Neurofibromatosis, type 1. Last evaluated: 2022-03-15. Review status: criteria provided, single submitter. Criteria: ACMG Guidelines, 2015. Collection method: clinical testing. Allele origin: germline. Affected: no.

Genome Diagnostics Laboratory, The Hospital for Sick Children
Classification: Pathogenic for Neurofibromatosis, type 1. Last evaluated: 2020-10-26. Review status: criteria provided, single submitter. Criteria: ACMG Guidelines, 2015. Collection method: clinical testing. Allele origin: germline. Affected: yes.

Mendelics
Classification: Pathogenic for Neurofibromatosis, type 1. Last evaluated: 2019-05-28. Review status: criteria provided, single submitter. Criteria: Mendelics Assertion Criteria 2017. Collection method: clinical testing. Allele origin: unknown.

Juno Genomics, Hangzhou Juno Genomics, Inc
Classification: Pathogenic for Juvenile myelomonocytic leukemia; Neurofibromatosis-Noonan syndrome; Neurofibromatosis, familial spinal; Neurofibromatosis, type 1; Café-au-lait macules with pulmonary stenosis. Review status: criteria provided, single submitter. Criteria: ACMG Guidelines, 2015. Collection method: clinical testing. Allele origin: germline. Affected: yes.
Comment: Absent from controls (or at extremely low frequency if recessive) in Genome Aggregation Database.;Null variant in a gene where loss of function (LOF) is a known mechanism of disease.;The prevalence of the variant in affected individuals is significantly increased compared to the prevalence in controls.;Patient's phenotype or family history is highly specific for a disease with a single genetic etiology.;De novo (both maternity and paternity confirmed) in a patient with the disease and no family history.;Assumed de novo, but without confirmation of paternity and maternity.

Literature cited by the submitters: PubMed 16199547 (cited by Labcorp Genetics (formerly Invitae), Labcorp); PubMed 10712197 (cited by Labcorp Genetics (formerly Invitae), Labcorp); PubMed 23913538 (cited by Labcorp Genetics (formerly Invitae), Labcorp); PubMed 28961165 (cited by Labcorp Genetics (formerly Invitae), Labcorp).

NM_001042492.3(NF1):c.888+1G>T

Gene: NF1 (neurofibromin 1; plus strand). Cytogenetic location: 17q11.2.
Variant type: single nucleotide variant.
Coding change: c.888+1G>T on transcript NM_001042492.3 (MANE Select); the canonical splice donor site of the intron after coding-DNA position 888, G replaced by T.
Molecular consequence: splice donor variant.
Genome position (GRCh38, 1-based): chr17:31,182,666, G>T. VCF-style: chr17-31182666-G-T. GRCh37 (hg19) VCF-style: chr17-29509684-G-T.
Other names: c.888+1G>T (NM_000267.4, NM_001128147.3).
Identifiers: ClinVar variation 803340 (VCV000803340.16), dbSNP rs1135402799, ClinGen allele CA398991321.